The following is an entry in ClinVar:

NM_002473.6(MYH9):c.1899C>T (p.Pro633=)

Gene: MYH9 (myosin heavy chain 9; minus strand). Cytogenetic location: 22q12.3.
Variant type: single nucleotide variant.
Coding change: c.1899C>T on transcript NM_002473.6 (MANE Select); coding-DNA position 1899, C replaced by T.
Protein change: p.Pro633=; no amino-acid change (proline 633 retained).
Molecular consequence: synonymous variant.
Genome position (GRCh38, 1-based): chr22:36,306,552, G>A on the plus strand (C>T on the coding strand, the complement: MYH9 is on the minus strand). VCF-style: chr22-36306552-G-A. GRCh37 (hg19) VCF-style: chr22-36702598-G-A.
Other names: c.1899C>T (NM_002473.5).
Identifiers: ClinVar variation 341524 (VCV000341524.10), dbSNP rs749696998, ClinGen allele CA10210142.

ClinVar aggregate classification (germline): Conflicting classifications of pathogenicity. Review status: criteria provided, conflicting classifications (1 of 4 stars). 4 submissions from 3 submitters: Uncertain significance (1); Benign (1); Likely benign (1). 1 of the submissions does not count toward it. Last evaluated 2025-05-17.

Conditions:
MYH9-related disorder. Identifiers: MedGen C1854520.
Autosomal dominant nonsyndromic hearing loss 17. Also called: Autosomal dominant nonsyndromic deafness 17; Deafness, autosomal dominant 17. Identifiers: Orphanet 90635, MedGen C1863659, MONDO:0011350, OMIM 603622.

Allele frequency attached by ClinVar (database versions not stated): gnomAD 0.00003; TOPMed 0.00005; ExAC 0.00006; gnomAD exomes 0.00006.
gnomAD v4.1: 225 of 1,613,790 alleles (0.014%); highest among the groups gnomAD compares: East Asian, 0.051%; no homozygotes.

Submissions (4):

Labcorp Genetics (formerly Invitae), Labcorp
Classification: Likely benign. Last evaluated: 2025-05-17. Review status: criteria provided, single submitter. Criteria: Invitae Variant Classification Sherloc (09022015). Collection method: clinical testing. Allele origin: germline.

Illumina Laboratory Services, Illumina
Classification: Benign for MYH9-related disorder. Last evaluated: 2018-01-12. Review status: criteria provided, single submitter. Criteria: ICSL Variant Classification Criteria 13 December 2019. Collection method: clinical testing. Allele origin: germline.
Comment: This variant was observed in the ICSL laboratory as part of a predisposition screen in an ostensibly healthy population. It had not been previously curated by ICSL or reported in the Human Gene Mutation Database (HGMD: prior to June 1st, 2018), and was therefore a candidate for classification through an automated scoring system. Utilizing variant allele frequency, disease prevalence and penetrance estimates, and inheritance mode, an automated score was calculated to assess if this variant is too frequent to cause the disease. Based on the score and internal cut-off values, a variant classified as benign is not then subjected to further curation. The score for this variant resulted in a classification of benign for this disease.

Illumina Laboratory Services, Illumina
Classification: Uncertain significance for Autosomal dominant nonsyndromic hearing loss 17. Last evaluated: 2018-01-12. Review status: criteria provided, single submitter. Criteria: ICSL Variant Classification Criteria 13 December 2019. Collection method: clinical testing. Allele origin: germline.

PreventionGenetics, part of Exact Sciences
Classification: Likely benign for MYH9-related condition. Last evaluated: 2020-03-06. Review status: no assertion criteria provided. Collection method: clinical testing. Allele origin: germline. Not counted in ClinVar's aggregate classification.
Comment: This variant is classified as likely benign based on ACMG/AMP sequence variant interpretation guidelines (Richards et al. 2015 PMID: 25741868, with internal and published modifications).